The following is an entry in ClinVar:

NM_018105.3(THAP1):c.495C>T (p.Thr165=)

Gene: THAP1 (THAP domain containing 1; minus strand). Cytogenetic location: 8p11.21.
Variant type: single nucleotide variant.
Coding change: c.495C>T on transcript NM_018105.3 (MANE Select); coding-DNA position 495, C replaced by T.
Protein change: p.Thr165=; no amino-acid change (threonine 165 retained).
Molecular consequence: synonymous variant. On other transcripts: 3 prime UTR variant (1).
Genome position (GRCh38, 1-based): chr8:42,838,109, G>A on the plus strand (C>T on the coding strand, the complement: THAP1 is on the minus strand). VCF-style: chr8-42838109-G-A. GRCh37 (hg19) VCF-style: chr8-42693252-G-A.
Other names: c.495C>T (NM_018105.2); c.*137C>T (NM_199003.2).
Identifiers: ClinVar variation 1555272 (VCV001555272.10), dbSNP rs140668058, ClinGen allele CA4734534.

ClinVar aggregate classification (germline): Likely benign. Review status: criteria provided, multiple submitters, no conflicts (2 of 4 stars). 3 submissions from 3 submitters: Likely benign (3). Last evaluated 2025-12-10.

Conditions:
Torsion dystonia 6 (DYT6). Also called: DYT-THAP1. Identifiers: Orphanet 98806, MedGen C1414216, MONDO:0011264, OMIM 602629.
THAP1-related disorder. Also called: THAP1-related condition.
Inborn genetic diseases. Identifiers: MedGen C0950123, MeSH D030342.

Allele frequency attached by ClinVar (database versions not stated): gnomAD exomes 0.00001; ExAC 0.00002; TOPMed 0.00003; gnomAD 0.00004; ESP Exome Variant Server 0.00008.
gnomAD v4.1: 24 of 1,614,022 alleles (0.0015%); highest among the groups gnomAD compares: African/African-American, 0.012%; no homozygotes.

Submissions (3):

PreventionGenetics, part of Exact Sciences
Classification: Likely benign for THAP1-related condition. Last evaluated: 2025-12-10. Review status: criteria provided, single submitter. Criteria: ACMG Guidelines, 2015. Collection method: clinical testing. Allele origin: germline.
Comment: This variant is classified as likely benign based on ACMG/AMP sequence variant interpretation guidelines (Richards et al. 2015 PMID: 25741868, with internal and published modifications).

Ambry Genetics
Classification: Likely benign for Inborn genetic diseases. Last evaluated: 2025-03-04. Review status: criteria provided, single submitter. Criteria: Ambry Variant Classification Scheme 2023. Collection method: clinical testing. Allele origin: germline.

Labcorp Genetics (formerly Invitae), Labcorp
Classification: Likely benign for Torsion dystonia 6. Last evaluated: 2022-03-22. Review status: criteria provided, single submitter. Criteria: Invitae Variant Classification Sherloc (09022015). Collection method: clinical testing. Allele origin: germline.